The following is an entry in ClinVar:

ClinVar aggregate classification (germline): Uncertain significance (1 of 4 stars; one submission).

Conditions:
EGFR-related lung cancer (EGFR). Identifiers: MedGen CN130014.

gnomAD v4.1: 1 of 1,612,470 alleles (0.000062%); highest among the groups gnomAD compares: African/African-American, 0.0013%; no homozygotes.

Submission:

Labcorp Genetics (formerly Invitae), Labcorp
Classification: Uncertain significance for EGFR-related lung cancer. Last evaluated: 2024-03-26. Review status: criteria provided, single submitter. Criteria: Invitae Variant Classification Sherloc (09022015). Collection method: clinical testing. Allele origin: germline.
Comment: This sequence change replaces valine, which is neutral and non-polar, with isoleucine, which is neutral and non-polar, at codon 1109 of the EGFR protein (p.Val1109Ile). This variant is present in population databases (no rsID available, gnomAD 0.003%). This variant has not been reported in the literature in individuals affected with EGFR-related conditions. ClinVar contains an entry for this variant (Variation ID: 1364706). Algorithms developed to predict the effect of missense changes on protein structure and function output the following: SIFT: "Not Available"; PolyPhen-2: "Benign"; Align-GVGD: "Not Available". The isoleucine amino acid residue is found in multiple mammalian species, which suggests that this missense change does not adversely affect protein function. In summary, the available evidence is currently insufficient to determine the role of this variant in disease. Therefore, it has been classified as a Variant of Uncertain Significance.

NM_005228.5(EGFR):c.3325G>A (p.Val1109Ile)

Gene: EGFR (epidermal growth factor receptor; plus strand). Cytogenetic location: 7p11.2.
Variant type: single nucleotide variant.
Coding change: c.3325G>A on transcript NM_005228.5 (MANE Select); coding-DNA position 3325, G replaced by A.
Protein change: p.Val1109Ile; replaces valine 1109 with isoleucine.
Molecular consequence: missense variant.
Genome position (GRCh38, 1-based): chr7:55,205,309, G>A. VCF-style: chr7-55205309-G-A. GRCh37 (hg19) VCF-style: chr7-55273002-G-A.
Other names: c.3190G>A, p.Val1064Ile (NM_001346899.2); c.3166G>A, p.Val1056Ile (NM_001346900.2); c.2524G>A, p.Val842Ile (NM_001346941.2); short protein forms V1056I, V842I, V1064I, V1109I.
Identifiers: ClinVar variation 1364706 (VCV001364706.8), dbSNP rs1055315772, ClinGen allele CA367584369.